The following is an entry in ClinVar:

NM_001277115.2(DNAH11):c.734C>G (p.Ser245Cys)

Gene: DNAH11 (dynein axonemal heavy chain 11; plus strand). Cytogenetic location: 7p15.3.
Variant type: single nucleotide variant.
Coding change: c.734C>G on transcript NM_001277115.2 (MANE Select); coding-DNA position 734, C replaced by G.
Protein change: p.Ser245Cys; replaces serine 245 with cysteine.
Molecular consequence: missense variant.
Genome position (GRCh38, 1-based): chr7:21,559,644, C>G. VCF-style: chr7-21559644-C-G. GRCh37 (hg19) VCF-style: chr7-21599262-C-G.
Other names: short protein forms S245C.
Identifiers: ClinVar variation 3503061 (VCV003503061.1).
Genomic context (GRCh38, chr7:21,559,644, plus strand): 5'-ATTATCTTAATGTTTGTAGGCCACCGTCAAACGAAAGGATAATACTTCATGCAATTGAAT[C>G]TGTGGTTATTGAATGGTCACATCAAATCCAAGAAATTATAGAAAGAGATTCAGTGCAGCG-3'
Protein context (NP_001264044.1, residues 235-255): NERIILHAIE[Ser245Cys]VVIEWSHQIQ

ClinVar aggregate classification (germline): Uncertain significance (1 of 4 stars; one submission).

Conditions:
Primary ciliary dyskinesia. Also called: Ciliary dyskinesia. Identifiers: Orphanet 244, MedGen C0008780, MONDO:0016575, HP:0012265.

Submission:

Ambry Genetics
Classification: Uncertain significance for Primary ciliary dyskinesia. Last evaluated: 2024-08-03. Review status: criteria provided, single submitter. Criteria: Ambry Variant Classification Scheme 2023. Collection method: clinical testing. Allele origin: germline.
Comment: The p.S245C variant (also known as c.734C>G), located in coding exon 4 of the DNAH11 gene, results from a C to G substitution at nucleotide position 734. The serine at codon 245 is replaced by cysteine, an amino acid with dissimilar properties. This amino acid position is conserved. In addition, this alteration is predicted to be tolerated by in silico analysis. Based on the available evidence, the clinical significance of this variant remains unclear.